The following is an entry in ClinVar:

ClinVar aggregate classification (germline): Conflicting classifications of pathogenicity. Review status: criteria provided, conflicting classifications (1 of 4 stars). 3 submissions from 3 submitters: Likely pathogenic (1); Uncertain significance (2). Last evaluated 2025-05-19.

Conditions:
Combined oxidative phosphorylation defect type 13. Also called: Combined oxidative phosphorylation deficiency 13. Identifiers: Orphanet 319514, MedGen C4706283, MONDO:0013977, OMIM 614932.

Allele frequency attached by ClinVar (database versions not stated): gnomAD exomes below 0.00001 and 0.00005; TOPMed 0.00002; gnomAD 0.00001.
gnomAD v4.1: 83 of 1,613,036 alleles (0.0051%); highest among the groups gnomAD compares: Non-Finnish European, 0.0062%; no homozygotes.

Submissions (3):

GeneDx
Classification: Uncertain significance. Last evaluated: 2025-05-19. Review status: criteria provided, single submitter. Criteria: GeneDx Variant Classification Process June 2021. Collection method: clinical testing. Allele origin: germline. Affected: yes.
Comment: Not observed at significant frequency in large population cohorts (gnomAD); In silico analysis supports that this missense variant has a deleterious effect on protein structure/function; This variant is associated with the following publications: (PMID: 27759031, 23084291, 31752325, 34740920)

Labcorp Genetics (formerly Invitae), Labcorp
Classification: Uncertain significance. Last evaluated: 2022-06-17. Review status: criteria provided, single submitter. Criteria: Invitae Variant Classification Sherloc (09022015). Collection method: clinical testing. Allele origin: germline.
Comment: This sequence change replaces alanine, which is neutral and non-polar, with glycine, which is neutral and non-polar, at codon 454 of the PNPT1 protein (p.Ala454Gly). This variant is present in population databases (rs200088200, gnomAD 0.003%). This missense change has been observed in individual(s) with combined oxidative phosphorylation deficiency (PMID: 31752325). ClinVar contains an entry for this variant (Variation ID: 548987). Advanced modeling of protein sequence and biophysical properties (such as structural, functional, and spatial information, amino acid conservation, physicochemical variation, residue mobility, and thermodynamic stability) performed at Invitae indicates that this missense variant is expected to disrupt PNPT1 protein function. Algorithms developed to predict the effect of sequence changes on RNA splicing suggest that this variant may create or strengthen a splice site. In summary, the available evidence is currently insufficient to determine the role of this variant in disease. Therefore, it has been classified as a Variant of Uncertain Significance.

Broad Center for Mendelian Genomics, Broad Institute of MIT and Harvard
Classification: Likely pathogenic for Combined oxidative phosphorylation defect type 13. Review status: criteria provided, single submitter. Criteria: ACMG Guidelines, 2015. Collection method: research. Allele origin: germline. Inheritance: Autosomal recessive inheritance. Affected: yes. Observed: 1 variant allele, 1 compound heterozygote. Study: Broad Institute Center for Mendelian Genomics (CMG).
Comment: The p.Ala454Gly variant has not been reported in the literature, but it has been identified to have a MAF of 0.02% (1/6437) by the Genome Aggregation Database (gnomAD; dbSNP rs200088200). Although this variant has been seen in the general population, its frequency is low enough to be consistent with a recessive carrier frequency. The Alanine (Ala) at position 454 is highly conserved in mammals and evolutionary distant species, raising the possibility/supporting that a change at this position may not be tolerated. Additional computational prediction tools do not provide strong support for or against an impact to the protein. Functional evidence (PNPase Western Blot, spectrophotometric enzyme assays, Dipstick assays, OXPHOS western blot) supports a pathogenic role for this variant and is consistent with other pathogenic variants (7 publications to date). The spectrophotometric enzyme assays conducted on fibroblasts were normal, which has been observed in other PNPT1- related cases including the one published in EJHG (Alodaib, A., et al. 2016) and others (Vedrenne, V., et al. 2012, Sato, R., et al. 2017). In summary, although additional studies are required to fully establish its clinical significance, this variant is likely pathogenic.

Literature cited by the submitters: PubMed 31752325 (cited by Labcorp Genetics (formerly Invitae), Labcorp); PubMed 27759031 (cited by Broad Center for Mendelian Genomics, Broad Institute of MIT and Harvard); PubMed 23084291 (cited by Broad Center for Mendelian Genomics, Broad Institute of MIT and Harvard).

NM_033109.5(PNPT1):c.1361C>G (p.Ala454Gly)

Gene: PNPT1 (polyribonucleotide nucleotidyltransferase 1; minus strand). Cytogenetic location: 2p16.1.
Variant type: single nucleotide variant.
Coding change: c.1361C>G on transcript NM_033109.5 (MANE Select); coding-DNA position 1361, C replaced by G.
Protein change: p.Ala454Gly; replaces alanine 454 with glycine.
Molecular consequence: missense variant.
Genome position (GRCh38, 1-based): chr2:55,656,211, G>C on the plus strand (C>G on the coding strand, the complement: PNPT1 is on the minus strand). VCF-style: chr2-55656211-G-C. GRCh37 (hg19) VCF-style: chr2-55883346-G-C.
Other names: short protein forms A454G.
Identifiers: ClinVar variation 548987 (VCV000548987.7), dbSNP rs200088200, ClinGen allele CA47655287.